The following is an entry in ClinVar:

ClinVar aggregate classification (germline): Likely pathogenic (1 of 4 stars; one submission).

Conditions:
Hereditary cancer-predisposing syndrome. Also called: Neoplastic Syndromes, Hereditary; Tumor predisposition; Hereditary Cancer Syndrome; Hereditary neoplastic syndrome. Identifiers: Orphanet 140162, MedGen C0027672, MeSH D009386, MONDO:0015356.

Submission:

Ambry Genetics
Classification: Likely pathogenic for Hereditary cancer-predisposing syndrome. Last evaluated: 2021-03-18. Review status: criteria provided, single submitter. Criteria: Ambry Variant Classification Scheme 2023. Collection method: clinical testing. Allele origin: germline.
Comment: The c.409+1_409+8delGTAAGCCG intronic variant, located in intron 2 of the TMEM127 gene, results from a deletion of 8 nucleotides within intron 2 of the TMEM127 gene. The canonical splice donor site is highly conserved in available vertebrate species. In silico splice site analysis predicts that this alteration will weaken the native splice donor site and may result in the creation or strengthening of a novel splice donor site. Another alteration impacting the same donor site (c.409+1G>T) has been detected in multiple families with TMEM127-associated disease (Ambry internal data; Yao L et al. JAMA, 2010 Dec;304:2611-9). This close-match alteration was also described to cause exon 2 skipping (Yao L et al. JAMA, 2010 Dec;304:2611-9). Based on the majority of available evidence to date, this variant is likely to be pathogenic.

Literature cited by the submitters: PubMed 21156949.

NM_017849.4(TMEM127):c.409+1_409+8del

Gene: TMEM127 (transmembrane protein 127; minus strand). Cytogenetic location: 2q11.2.
Variant type: Deletion.
Coding change: c.409+1_409+8del on transcript NM_017849.4 (MANE Select); the canonical splice donor site of the intron after coding-DNA position 409 through 8 bases into the intron after coding-DNA position 409, 8 bases deleted (GTAAGCCG; older notation c.409+1_409+8delGTAAGCCG).
Molecular consequence: splice donor variant.
Genome position (GRCh38, 1-based): chr2:96,254,825-96,254,832, CGGCTTAC deleted on the plus strand (GTAAGCCG on the coding strand, the reverse complement: TMEM127 is on the minus strand); deleting any 8 consecutive bases within chr2:96,254,825-96,254,833 gives the same sequence; the c. name uses the placement nearest the transcript's 3' end. VCF-style (leftmost placement, unchanged base first): chr2-96254824-ACGGCTTAC-A. GRCh37 (hg19) VCF-style: chr2-96920562-ACGGCTTAC-A.
Other names: c.409+1_409+8del (NM_001193304.3).
Identifiers: ClinVar variation 1737743 (VCV001737743.2), dbSNP rs2467265981, ClinGen allele CA2580068324.